The following is an entry in ClinVar:

ClinVar aggregate classification (germline): Likely benign. Review status: criteria provided, multiple submitters, no conflicts (2 of 4 stars). 2 submissions from 2 submitters: Likely benign (2). Last evaluated 2024-07-01.

Allele frequency attached by ClinVar (database versions not stated): 1000 Genomes Project 0.00040; 1000 Genomes Project 30x 0.00047; gnomAD exomes 0.00177 and 0.00275; gnomAD 0.00196 and 0.00208; ExAC 0.00198; TOPMed 0.00199; ESP Exome Variant Server 0.00231.
gnomAD v4.1: 4,264 of 1,614,116 alleles (0.26%); highest among the groups gnomAD compares: Non-Finnish European, 0.34%; 12 homozygotes.

Submissions (2):

CeGaT Center for Human Genetics Tuebingen
Classification: Likely benign. Last evaluated: 2024-07-01. Review status: criteria provided, single submitter. Criteria: CeGaT Center For Human Genetics Tuebingen Variant Classification Criteria Version 2. Collection method: clinical testing. Allele origin: germline. Affected: yes. Observed: 6 variant alleles.
Comment: BIVM: BP4, BS2

Breakthrough Genomics
Classification: Likely benign. Review status: criteria provided, single submitter. Criteria: ACMG Guidelines, 2015. Collection method: not provided. Allele origin: germline. Inheritance: Unknown mechanism. Affected: yes.

NM_017693.4(BIVM):c.1430C>T (p.Ser477Leu)

Genes: BIVM (basic, immunoglobulin-like variable motif containing; plus strand), BIVM-ERCC5 (BIVM-ERCC5 readthrough; plus strand). Cytogenetic location: 13q33.1.
Variant type: single nucleotide variant.
Coding change: c.1430C>T on transcript NM_017693.4 (MANE Select); coding-DNA position 1430, C replaced by T.
Protein change: p.Ser477Leu; replaces serine 477 with leucine.
Molecular consequence: missense variant.
Genome position (GRCh38, 1-based): chr13:102,839,783, C>T. VCF-style: chr13-102839783-C-T. GRCh37 (hg19) VCF-style: chr13-103492133-C-T.
Other names: c.1430C>T, p.Ser477Leu (NM_001204425.2); c.764C>T, p.Ser255Leu (NM_001159596.2); short protein forms S255L, S477L.
Identifiers: ClinVar variation 1335133 (VCV001335133.36), dbSNP rs139012037, ClinGen allele CA7040901.